The following is an entry in ClinVar:

NM_000268.4(NF2):c.1765G>A (p.Val589Met)

Gene: NF2 (NF2, moesin-ezrin-radixin like (MERLIN) tumor suppressor; plus strand). Cytogenetic location: 22q12.2.
Variant type: single nucleotide variant.
Coding change: c.1765G>A on transcript NM_000268.4 (MANE Select); coding-DNA position 1765, G replaced by A.
Protein change: p.Val589Met; replaces valine 589 with methionine.
Molecular consequence: missense variant. On other transcripts: 3 prime UTR variant (5), non-coding transcript variant (1).
Genome position (GRCh38, 1-based): chr22:29,694,779, G>A. VCF-style: chr22-29694779-G-A. GRCh37 (hg19) VCF-style: chr22-30090768-G-A.
Other names: c.*37G>A (NM_016418.5, NM_181828.3, NM_181829.3 and 1 more transcripts); c.*52G>A (NM_181832.3); c.475G>A, p.Val159Met (NM_181833.3); short protein forms V589M, V159M.
Identifiers: ClinVar variation 527704 (VCV000527704.21), dbSNP rs1293851600, ClinGen allele CA411152257.

ClinVar aggregate classification (germline): Conflicting classifications of pathogenicity. Review status: criteria provided, conflicting classifications (1 of 4 stars). 7 submissions from 7 submitters: Uncertain significance (5); Likely benign (2). Last evaluated 2026-01-16.

Conditions:
Hereditary cancer-predisposing syndrome. Also called: Hereditary neoplastic syndrome; Hereditary Cancer Syndrome; Neoplastic Syndromes, Hereditary; Tumor predisposition. Identifiers: Orphanet 140162, MedGen C0027672, MeSH D009386, MONDO:0015356.
Neurofibromatosis, type 2 (SWNV). Also called: SCHWANNOMATOSIS, VESTIBULAR; BILATERAL ACOUSTIC NEUROFIBROMATOSIS; NF2-Related Schwannomatosis. Identifiers: Orphanet 637, MedGen C0027832, MONDO:0007039, OMIM 101000. Disease mechanism: loss of function.
NF2-related disorder. Also called: NF2-related condition.

Allele frequency attached by ClinVar (database versions not stated): TOPMed below 0.00001; gnomAD exomes 0.00001.
gnomAD v4.1: 13 of 1,613,832 alleles (0.00081%); highest among the groups gnomAD compares: Non-Finnish European, 0.00085%; no homozygotes.

Submissions (7):

Labcorp Genetics (formerly Invitae), Labcorp
Classification: Likely benign for Neurofibromatosis, type 2. Last evaluated: 2026-01-16. Review status: criteria provided, single submitter. Criteria: Invitae Variant Classification Sherloc (09022015). Collection method: clinical testing. Allele origin: germline.

PreventionGenetics, part of Exact Sciences
Classification: Uncertain significance for NF2-related condition. Last evaluated: 2025-07-08. Review status: criteria provided, single submitter. Criteria: ACMG Guidelines, 2015. Collection method: clinical testing. Allele origin: germline.
Comment: The NF2 c.1765G>A variant is predicted to result in the amino acid substitution p.Val589Met. To our knowledge, this variant has not been reported in the literature. This variant is reported in 0.0018% of alleles in individuals of European (Non-Finnish) descent in gnomAD. At this time, the clinical significance of this variant is uncertain due to the absence of conclusive functional and genetic evidence.

All of Us Research Program, National Institutes of Health
Classification: Uncertain significance for Neurofibromatosis, type 2. Last evaluated: 2024-09-23. Review status: criteria provided, single submitter. Criteria: ACMG Guidelines, 2015. Collection method: clinical testing. Allele origin: germline. Inheritance: Autosomal dominant inheritance. Observed: 3 variant alleles, 3 heterozygotes.
Comment: This missense variant replaces valine with methionine at codon 589 of the NF2 protein. Computational prediction is inconclusive regarding the impact of this variant on protein structure and function. To our knowledge, functional studies have not been reported for this variant. This variant has not been reported in individuals affected with NF2-related disorders in the literature. This variant has been identified in 2/250248 chromosomes in the general population by the Genome Aggregation Database (gnomAD). The available evidence is insufficient to determine the role of this variant in disease conclusively. Therefore, this variant is classified as a Variant of Uncertain Significance.

This study involves interpretation of variants in research participants for the purpose of population health screening. Participant phenotype was not available at the time of variant classification. Additional details can be found in publication PMID: 35346344, PMCID: PMC8962531

Color Diagnostics, LLC DBA Color Health
Classification: Uncertain significance for Neurofibromatosis, type 2. Last evaluated: 2024-05-17. Review status: criteria provided, single submitter. Criteria: ACMG Guidelines, 2015. Collection method: clinical testing. Allele origin: germline.
Comment: This missense variant replaces valine with methionine at codon 589 of the NF2 protein. Computational prediction is inconclusive regarding the impact of this variant on protein structure and function. To our knowledge, functional studies have not been reported for this variant. This variant has not been reported in individuals affected with NF2-related disorders in the literature. This variant has been identified in 2/250248 chromosomes in the general population by the Genome Aggregation Database (gnomAD). The available evidence is insufficient to determine the role of this variant in disease conclusively. Therefore, this variant is classified as a Variant of Uncertain Significance.

Ambry Genetics
Classification: Likely benign for Hereditary cancer-predisposing syndrome. Last evaluated: 2023-02-15. Review status: criteria provided, single submitter. Criteria: Ambry Variant Classification Scheme 2023. Collection method: clinical testing. Allele origin: germline.

GeneDx
Classification: Uncertain significance. Last evaluated: 2023-01-18. Review status: criteria provided, single submitter. Criteria: GeneDx Variant Classification Process June 2021. Collection method: clinical testing. Allele origin: germline. Affected: yes.
Comment: In silico analysis supports that this missense variant does not alter protein structure/function; Has not been previously published as pathogenic or benign to our knowledge; This variant is associated with the following publications: (PMID: 11756419)

Genome-Nilou Lab
Classification: Uncertain significance for Neurofibromatosis, type 2. Last evaluated: 2021-11-07. Review status: criteria provided, single submitter. Criteria: ACMG Guidelines, 2015. Collection method: clinical testing. Allele origin: germline. Affected: no.